The following is an entry in ClinVar:

NM_002180.3(IGHMBP2):c.1305_1350del (p.Arg436fs)

Gene: IGHMBP2 (immunoglobulin mu DNA binding protein 2; plus strand). Cytogenetic location: 11q13.3.
Variant type: Deletion.
Coding change: c.1305_1350del on transcript NM_002180.3 (MANE Select); coding-DNA positions 1305 to 1350, 46 bases deleted.
Protein change: p.Arg436fs; shifts the reading frame from arginine 436.
Molecular consequence: frameshift variant.
Genome position (GRCh38, 1-based): chr11:68,933,368-68,933,413, 46 bases deleted. GRCh37 (hg19): chr11:68,700,836-68,700,881.
Other names: short protein forms R436fs.
Identifiers: ClinVar variation 1379465 (VCV001379465.6), dbSNP rs777570288, ClinGen allele CA6153599.

ClinVar aggregate classification (germline): Pathogenic (1 of 4 stars; one submission).

Conditions:
Charcot-Marie-Tooth disease axonal type 2S. Also called: CHARCOT-MARIE-TOOTH NEUROPATHY, TYPE 2S; CHARCOT-MARIE-TOOTH DISEASE, AXONAL, AUTOSOMAL RECESSIVE, TYPE 2S. Identifiers: Orphanet 443073, MedGen C4015349, MONDO:0014511, OMIM 616155.
Autosomal recessive distal spinal muscular atrophy 1. Also called: NEURONOPATHY, SEVERE INFANTILE AXONAL, WITH RESPIRATORY FAILURE; SEVERE INFANTILE AXONAL NEUROPATHY WITH RESPIRATORY FAILURE; SPINAL MUSCULAR ATROPHY, DIAPHRAGMATIC; HMN VI; Spinal muscular atrophy with respiratory distress 1; NEURONOPATHY, DISTAL HEREDITARY MOTOR, HARDING TYPE VI. Identifiers: Orphanet 98920, MedGen C1858517, MONDO:0011436, OMIM 604320.

Allele frequency attached by ClinVar (database versions not stated): gnomAD exomes below 0.00001; ExAC 0.00001.

Submission:

Labcorp Genetics (formerly Invitae), Labcorp
Classification: Pathogenic for Autosomal recessive distal spinal muscular atrophy 1; Charcot-Marie-Tooth disease axonal type 2S. Last evaluated: 2021-04-29. Review status: criteria provided, single submitter. Criteria: Invitae Variant Classification Sherloc (09022015). Collection method: clinical testing. Allele origin: germline.
Comment: The frequency data for this variant in the population databases is considered unreliable, as metrics indicate poor data quality at this position in the ExAC database. This sequence change creates a premature translational stop signal (p.Arg436Glyfs*22) in the IGHMBP2 gene. It is expected to result in an absent or disrupted protein product. Loss-of-function variants in IGHMBP2 are known to be pathogenic (PMID: 14681881). This variant has not been reported in the literature in individuals with IGHMBP2-related conditions. For these reasons, this variant has been classified as Pathogenic.

Literature cited by the submitters: PubMed 14681881.